The following is an entry in ClinVar:

ClinVar aggregate classification (germline): Uncertain significance (1 of 4 stars; one submission).

Conditions:
RASopathy. Also called: rasopathies; Noonan spectrum disorder. Identifiers: Orphanet 536391, MedGen C5555857, MONDO:0021060.

Submission:

Labcorp Genetics (formerly Invitae), Labcorp
Classification: Uncertain significance for RASopathy. Last evaluated: 2021-04-08. Review status: criteria provided, single submitter. Criteria: Invitae Variant Classification Sherloc (09022015). Collection method: clinical testing. Allele origin: germline.
Comment: In summary, the available evidence is currently insufficient to determine the role of this variant in disease. Therefore, it has been classified as a Variant of Uncertain Significance. Advanced modeling of protein sequence and biophysical properties (such as structural, functional, and spatial information, amino acid conservation, physicochemical variation, residue mobility, and thermodynamic stability) performed at Invitae indicates that this missense variant is expected to disrupt BRAF protein function. This variant has not been reported in the literature in individuals with BRAF-related conditions. This variant is not present in population databases (ExAC no frequency). This sequence change replaces histidine with asparagine at codon 539 of the BRAF protein (p.His539Asn). The histidine residue is highly conserved and there is a small physicochemical difference between histidine and asparagine.

NM_004333.6(BRAF):c.1615C>A (p.His539Asn)

Gene: BRAF (B-Raf proto-oncogene, serine/threonine kinase; minus strand). Cytogenetic location: 7q34.
Variant type: single nucleotide variant.
Coding change: c.1615C>A on transcript NM_004333.6 (MANE Select); coding-DNA position 1615, C replaced by A.
Protein change: p.His539Asn; replaces histidine 539 with asparagine.
Molecular consequence: missense variant.
Genome position (GRCh38, 1-based): chr7:140,776,991, G>T on the plus strand (C>A on the coding strand, the complement: BRAF is on the minus strand). VCF-style: chr7-140776991-G-T. GRCh37 (hg19) VCF-style: chr7-140476791-G-T.
Other names: c.1615C>A, p.His539Asn (NM_001354609.2, NM_001378468.1, NM_001378474.1); c.1735C>A, p.His579Asn (NM_001374244.1, NM_001374258.1); c.1624C>A, p.His542Asn (NM_001378467.1); c.1549C>A, p.His517Asn (NM_001378469.1); c.1513C>A, p.His505Asn (NM_001378470.1); c.1504C>A, p.His502Asn (NM_001378471.1); c.1459C>A, p.His487Asn (NM_001378472.1, NM_001378473.1); c.1351C>A, p.His451Asn (NM_001378475.1); short protein forms H505N, H579N, H487N, H502N, H517N, H539N, H451N, H542N.
Identifiers: ClinVar variation 1385767 (VCV001385767.8), dbSNP rs2129018348, ClinGen allele CA369588105.